The following is an entry in ClinVar:

NM_016006.6(ABHD5):c.715A>G (p.Met239Val)

Gene: ABHD5 (abhydrolase domain containing 5, lysophosphatidic acid acyltransferase; plus strand). Cytogenetic location: 3p21.33.
Variant type: single nucleotide variant.
Coding change: c.715A>G on transcript NM_016006.6 (MANE Select); coding-DNA position 715, A replaced by G.
Protein change: p.Met239Val; replaces methionine 239 with valine.
Molecular consequence: missense variant.
Genome position (GRCh38, 1-based): chr3:43,715,000, A>G. VCF-style: chr3-43715000-A-G. GRCh37 (hg19) VCF-style: chr3-43756492-A-G.
Other names: c.715A>G, p.Met239Val (NM_001355186.2, NM_001365650.1); c.592A>G, p.Met198Val (NM_001365649.1); short protein forms M239V, M198V.
Identifiers: ClinVar variation 392179 (VCV000392179.7), dbSNP rs189325485, ClinGen allele CA2341421.

ClinVar aggregate classification (germline): Uncertain significance. Review status: criteria provided, multiple submitters, no conflicts (2 of 4 stars). 2 submissions from 2 submitters: Uncertain significance (2). Last evaluated 2022-02-06.

Allele frequency attached by ClinVar (database versions not stated): ExAC 0.00002; gnomAD 0.00002 and 0.00003; gnomAD exomes 0.00002; TOPMed 0.00003; 1000 Genomes Project 30x 0.00031; 1000 Genomes Project 0.00040.
gnomAD v4.1: 30 of 1,613,246 alleles (0.0019%); highest among the groups gnomAD compares: Admixed American, 0.0067%; no homozygotes.

Submissions (2):

Labcorp Genetics (formerly Invitae), Labcorp
Classification: Uncertain significance. Last evaluated: 2022-02-06. Review status: criteria provided, single submitter. Criteria: Invitae Variant Classification Sherloc (09022015). Collection method: clinical testing. Allele origin: germline.
Comment: This sequence change replaces methionine, which is neutral and non-polar, with valine, which is neutral and non-polar, at codon 239 of the ABHD5 protein (p.Met239Val). This variant is present in population databases (rs189325485, gnomAD 0.004%). This variant has not been reported in the literature in individuals affected with ABHD5-related conditions. ClinVar contains an entry for this variant (Variation ID: 392179). Algorithms developed to predict the effect of missense changes on protein structure and function (SIFT, PolyPhen-2, Align-GVGD) all suggest that this variant is likely to be tolerated. In summary, the available evidence is currently insufficient to determine the role of this variant in disease. Therefore, it has been classified as a Variant of Uncertain Significance.

GeneDx
Classification: Uncertain significance. Last evaluated: 2017-01-05. Review status: criteria provided, single submitter. Criteria: GeneDx Variant Classification (06012015). Collection method: clinical testing. Allele origin: germline. Affected: yes.
Comment: The M239V variant in the ABHD5 gene has not been reported previously as a pathogenic variant, nor as a benign variant, to our knowledge. It was not observed in approximately 6,500 individuals of European and African American ancestry in the NHLBI Exome Sequencing Project, indicating it is not a common benign variant in these populations. M239V is a conservative amino acid substitution, which is not likely to impact secondary protein structure as these residues share similar properties. This substitution occurs at a position where amino acids with similar properties to methionine are tolerated across species and in silico analysis is inconsistent in its predictions as to whether or not the variant is damaging to the protein structure/function. Therefore, we interpret M239V as a variant of uncertain significance.